The following is an entry in ClinVar:

ClinVar aggregate classification (germline): Benign/Likely benign. Review status: criteria provided, multiple submitters, no conflicts (2 of 4 stars). 5 submissions from 5 submitters: Benign (4); Likely benign (1). Last evaluated 2026-01-14.

Allele frequency attached by ClinVar (database versions not stated): 1000 Genomes Project 0.00140; 1000 Genomes Project 30x 0.00141; gnomAD 0.00180; ESP Exome Variant Server 0.00193; TOPMed 0.00225.
gnomAD v4.1: 1,518 of 1,604,490 alleles (0.095%); highest among the groups gnomAD compares: Middle Eastern, 2.3%; 8 homozygotes.

Submissions (5):

Labcorp Genetics (formerly Invitae), Labcorp
Classification: Benign. Last evaluated: 2026-01-14. Review status: criteria provided, single submitter. Criteria: Invitae Variant Classification Sherloc (09022015). Collection method: clinical testing. Allele origin: germline.

Blueprint Genetics
Classification: Likely benign. Last evaluated: 2024-10-14. Review status: criteria provided, single submitter. Criteria: ACMG Guidelines, 2015. Collection method: clinical testing. Allele origin: germline.

GeneDx
Classification: Benign. Last evaluated: 2019-01-25. Review status: criteria provided, single submitter. Criteria: GeneDx Variant Classification Process June 2021. Collection method: clinical testing. Allele origin: germline. Affected: yes.

Laboratory for Molecular Medicine, Mass General Brigham Personalized Medicine
Classification: Benign. Last evaluated: 2014-11-24. Review status: criteria provided, single submitter. Criteria: LMM Criteria. Collection method: clinical testing. Allele origin: germline. Observed: 1 variant allele.
Comment: 304-12C>T in intron 2 of TSPEAR: This variant is not expected to have clinical s ignificance because it has been identified in 0.5% (21/4386) of African American chromosomes from a broad population by the NHLBI Exome Sequencing Project (dbSNP rs192955018).

Breakthrough Genomics
Classification: Benign. Review status: criteria provided, single submitter. Criteria: ACMG Guidelines, 2015. Collection method: not provided. Allele origin: germline. Inheritance: Autosomal recessive inheritance. Affected: yes.

NM_144991.3(TSPEAR):c.304-12C>T

Gene: TSPEAR (thrombospondin type laminin G domain and EAR repeats; minus strand). Cytogenetic location: 21q22.3.
Variant type: single nucleotide variant.
Coding change: c.304-12C>T on transcript NM_144991.3 (MANE Select); 12 bases into the intron before coding-DNA position 304, C replaced by T.
Molecular consequence: intron variant.
Genome position (GRCh38, 1-based): chr21:44,533,935, G>A on the plus strand (C>T on the coding strand, the complement: TSPEAR is on the minus strand). VCF-style: chr21-44533935-G-A. GRCh37 (hg19) VCF-style: chr21-45953818-G-A.
Other names: c.100-12C>T (NM_001272037.2).
Identifiers: ClinVar variation 504831 (VCV000504831.17), dbSNP rs192955018, ClinGen allele CA10057063.
Genomic context (GRCh38, chr21:44,533,935, plus strand): 5'-GCAGCAGGTCGCTCTCCTCTGCCACCACCGTCAGCAGGTACTCGTTCCTCTGTGGAGAGC[G>A]GGCCAGGCTCAGGACGGGGCTGGGGGTAGGGGTCGGGTGCGGGGGCAGGGCAGATGGGAA-3'